The following is an entry in ClinVar:

NM_000038.6(APC):c.3000C>G (p.Tyr1000Ter)

Gene: APC (APC regulator of Wnt signaling pathway; plus strand). Cytogenetic location: 5q22.2.
Variant type: single nucleotide variant.
Coding change: c.3000C>G on transcript NM_000038.6 (MANE Select); coding-DNA position 3000, C replaced by G.
Protein change: p.Tyr1000Ter; replaces tyrosine 1000 with a stop codon.
Molecular consequence: nonsense. On other transcripts: non-coding transcript variant (2).
Genome position (GRCh38, 1-based): chr5:112,838,594, C>G. VCF-style: chr5-112838594-C-G. GRCh37 (hg19) VCF-style: chr5-112174291-C-G.
Other names: c.3000C>G, p.Tyr1000Ter (NM_001127510.3, NM_001354895.2, NM_001407450.1); c.2946C>G, p.Tyr982Ter (NM_001127511.3); c.3054C>G, p.Tyr1018Ter (NM_001354896.2, NM_001407447.1, NM_001407448.1 and 1 more transcripts); c.3030C>G, p.Tyr1010Ter (NM_001354897.2); c.2925C>G, p.Tyr975Ter (NM_001354898.2); c.2916C>G, p.Tyr972Ter (NM_001354899.2); c.2877C>G, p.Tyr959Ter (NM_001354900.2); c.2823C>G, p.Tyr941Ter (NM_001354901.2, NM_001407453.1); and 11 more; short protein forms Y1000*, Y1010*, Y1018*, Y1028*, Y616*, Y717*, Y840*, Y871*.
Identifiers: ClinVar variation 2584078 (VCV002584078.2), dbSNP rs1580629755, ClinGen allele CA16027897.

ClinVar aggregate classification (germline): Pathogenic. Review status: criteria provided, multiple submitters, no conflicts (2 of 4 stars). 2 submissions from 2 submitters: Pathogenic (2). Last evaluated 2025-05-27.

Conditions:
Familial adenomatous polyposis 1 (FAP1). Also called: FAMILIAL ADENOMATOUS POLYPOSIS 1, ATTENUATED; POLYPOSIS, ADENOMATOUS INTESTINAL. Identifiers: MedGen C2713442, MONDO:0021056, OMIM 175100. Disease mechanism: loss of function.

Submissions (2):

Labcorp Genetics (formerly Invitae), Labcorp
Classification: Pathogenic for Familial adenomatous polyposis 1. Last evaluated: 2025-05-27. Review status: criteria provided, single submitter. Criteria: Invitae Variant Classification Sherloc (09022015). Collection method: clinical testing. Allele origin: germline.
Comment: This sequence change creates a premature translational stop signal (p.Tyr1000*) in the APC gene. While this is not anticipated to result in nonsense mediated decay, it is expected to disrupt the last 1844 amino acid(s) of the APC protein. This variant is not present in population databases (gnomAD no frequency). This premature translational stop signal has been observed in individual(s) with familial adenomatous polyposis (PMID: 20223039). ClinVar contains an entry for this variant (Variation ID: 2584078). This variant is expected to disrupt the EB1 and HDLG binding sites, which mediate interactions with the cytoskeleton (PMID: 15311282, 17293347). While functional studies have not been performed to directly test the effect on APC protein function, this suggests that disruption of the C-terminal portion of the protein is functionally important. A different truncation (p.Tyr2645Lysfs*14) that lies downstream of this variant has been determined to be pathogenic (PMID: 9824584, 1316610, 27081525, 8381579, 22135120, internal data). This suggests that deletion of this region of the APC protein is causative of disease. For these reasons, this variant has been classified as Pathogenic.

Myriad Genetics, Inc.
Classification: Pathogenic for Familial adenomatous polyposis 1. Last evaluated: 2023-05-05. Review status: criteria provided, single submitter. Criteria: Myriad Autosomal Dominant, Autosomal Recessive and X-Linked Classification Criteria (2023). Collection method: clinical testing. Allele origin: unknown.
Comment: This variant is considered pathogenic. This variant creates a termination codon and is predicted to result in premature protein truncation.

Literature cited by the submitters: PubMed 20223039 (cited by Labcorp Genetics (formerly Invitae), Labcorp); PubMed 15311282 (cited by Labcorp Genetics (formerly Invitae), Labcorp); PubMed 17293347 (cited by Labcorp Genetics (formerly Invitae), Labcorp); PubMed 9824584 (cited by Labcorp Genetics (formerly Invitae), Labcorp); PubMed 1316610 (cited by Labcorp Genetics (formerly Invitae), Labcorp); PubMed 27081525 (cited by Labcorp Genetics (formerly Invitae), Labcorp); PubMed 8381579 (cited by Labcorp Genetics (formerly Invitae), Labcorp); PubMed 22135120 (cited by Labcorp Genetics (formerly Invitae), Labcorp).